The following is an entry in ClinVar:

NM_001371986.1(UNC80):c.5620C>T (p.Arg1874Cys)

Gene: UNC80 (unc-80 subunit of NALCN channel complex; plus strand). Cytogenetic location: 2q34.
Variant type: single nucleotide variant.
Coding change: c.5620C>T on transcript NM_001371986.1 (MANE Select); coding-DNA position 5620, C replaced by T.
Protein change: p.Arg1874Cys; replaces arginine 1874 with cysteine.
Molecular consequence: missense variant.
Genome position (GRCh38, 1-based): chr2:209,922,341, C>T. VCF-style: chr2-209922341-C-T. GRCh37 (hg19) VCF-style: chr2-210787065-C-T.
Other names: c.5422C>T, p.Arg1808Cys (NM_032504.2); c.5407C>T, p.Arg1803Cys (NM_182587.4); short protein forms R1803C, R1808C, R1874C.
Identifiers: ClinVar variation 1382197 (VCV001382197.6), dbSNP rs948288286, ClinGen allele CA65040622.

ClinVar aggregate classification (germline): Uncertain significance (1 of 4 stars; one submission).

Allele frequency attached by ClinVar (database versions not stated): gnomAD exomes 0.00001 and below 0.00001; gnomAD 0.00002; TOPMed 0.00002.
gnomAD v4.1: 7 of 1,551,752 alleles (0.00045%); highest among the groups gnomAD compares: African/African-American, 0.0041%; no homozygotes.

Submission:

Labcorp Genetics (formerly Invitae), Labcorp
Classification: Uncertain significance. Last evaluated: 2026-01-12. Review status: criteria provided, single submitter. Criteria: Invitae Variant Classification Sherloc (09022015). Collection method: clinical testing. Allele origin: germline.
Comment: This sequence change replaces arginine with cysteine at codon 1808 of the UNC80 protein (p.Arg1808Cys). The arginine residue is weakly conserved and there is a large physicochemical difference between arginine and cysteine. This variant is present in population databases (no rsID available, gnomAD 0.01%). This variant has not been reported in the literature in individuals affected with UNC80-related conditions. ClinVar contains an entry for this variant (Variation ID: 1382197). Invitae Evidence Modeling of protein sequence and biophysical properties (such as structural, functional, and spatial information, amino acid conservation, physicochemical variation, residue mobility, and thermodynamic stability) indicates that this missense variant is not expected to disrupt UNC80 protein function with a negative predictive value of 80%. In summary, the available evidence is currently insufficient to determine the role of this variant in disease. Therefore, it has been classified as a Variant of Uncertain Significance.